The following is an entry in ClinVar:

ClinVar aggregate classification (germline): Uncertain significance (1 of 4 stars; one submission).

gnomAD v4.1: 6 of 1,581,948 alleles (0.00038%); highest among the groups gnomAD compares: Non-Finnish European, 0.00051%; no homozygotes.

Submission:

Labcorp Genetics (formerly Invitae), Labcorp
Classification: Uncertain significance. Last evaluated: 2025-07-21. Review status: criteria provided, single submitter. Criteria: Invitae Variant Classification Sherloc (09022015). Collection method: clinical testing. Allele origin: germline.
Comment: This sequence change replaces leucine, which is neutral and non-polar, with glutamine, which is neutral and polar, at codon 399 of the PRPF31 protein (p.Leu399Gln). This variant is not present in population databases (gnomAD no frequency). This variant has not been reported in the literature in individuals affected with PRPF31-related conditions. An algorithm developed to predict the effect of missense changes on protein structure and function (PolyPhen-2) suggests that this variant is likely to be disruptive. In summary, the available evidence is currently insufficient to determine the role of this variant in disease. Therefore, it has been classified as a Variant of Uncertain Significance.

NM_015629.4(PRPF31):c.1196T>A (p.Leu399Gln)

Gene: PRPF31 (pre-mRNA processing factor 31; plus strand). Cytogenetic location: 19q13.42.
Variant type: single nucleotide variant.
Coding change: c.1196T>A on transcript NM_015629.4 (MANE Select); coding-DNA position 1196, T replaced by A.
Protein change: p.Leu399Gln; replaces leucine 399 with glutamine.
Molecular consequence: missense variant.
Genome position (GRCh38, 1-based): chr19:54,129,106, T>A. VCF-style: chr19-54129106-T-A. GRCh37 (hg19) VCF-style: chr19-54632481-T-A.
Other names: short protein forms L399Q.
Identifiers: ClinVar variation 4769582 (VCV004769582.1).